The following is an entry in ClinVar:

NM_003579.4(RAD54L):c.224G>A (p.Arg75Gln)

Gene: RAD54L (RAD54 like; plus strand). Cytogenetic location: 1p34.1.
Variant type: single nucleotide variant.
Coding change: c.224G>A on transcript NM_003579.4 (MANE Select); coding-DNA position 224, G replaced by A.
Protein change: p.Arg75Gln; replaces arginine 75 with glutamine.
Molecular consequence: missense variant. On other transcripts: 5 prime UTR variant (1).
Genome position (GRCh38, 1-based): chr1:46,258,699, G>A. VCF-style: chr1-46258699-G-A. GRCh37 (hg19) VCF-style: chr1-46724371-G-A.
Other names: c.224G>A, p.Arg75Gln (NM_001142548.2); c.-317G>A (NM_001370766.1); short protein forms R75Q.
Identifiers: ClinVar variation 2466171 (VCV002466171.2), dbSNP rs745591449, ClinGen allele CA834178.

ClinVar aggregate classification (germline): Uncertain significance (1 of 4 stars; one submission).

Allele frequency attached by ClinVar (database versions not stated): gnomAD exomes 0.00001; TOPMed 0.00001; ExAC 0.00002.
gnomAD v4.1: 7 of 1,606,742 alleles (0.00044%); highest among the groups gnomAD compares: Admixed American, 0.0033%; no homozygotes.

Submission:

Ambry Genetics
Classification: Uncertain significance. Last evaluated: 2022-11-23. Review status: criteria provided, single submitter. Criteria: Ambry Variant Classification Scheme 2023. Collection method: clinical testing. Allele origin: germline.
Comment: The p.R75Q variant (also known as c.224G>A), located in coding exon 4 of the RAD54L gene, results from a G to A substitution at nucleotide position 224. The arginine at codon 75 is replaced by glutamine, an amino acid with highly similar properties. This amino acid position is conserved. In addition, the in silico prediction for this alteration is inconclusive. Since supporting evidence is limited at this time, the clinical significance of this alteration remains unclear.